The following is an entry in ClinVar:

NM_020778.5(ALPK3):c.509G>T (p.Gly170Val)

Gene: ALPK3 (alpha kinase 3; plus strand). Cytogenetic location: 15q25.3.
Variant type: single nucleotide variant.
Coding change: c.509G>T on transcript NM_020778.5 (MANE Select); coding-DNA position 509, G replaced by T.
Protein change: p.Gly170Val; replaces glycine 170 with valine.
Molecular consequence: missense variant.
Genome position (GRCh38, 1-based): chr15:84,839,788, G>T. VCF-style: chr15-84839788-G-T. GRCh37 (hg19) VCF-style: chr15-85383019-G-T.
Other names: short protein forms G170V.
Identifiers: ClinVar variation 3677344 (VCV003677344.2).
Genomic context (GRCh38, chr15:84,839,788, plus strand): 5'-ACCAGGCCTCTGCCCAGAACAGCAAGGGCATTGTGTCCTGCTCAGGGGTCCTGGAGGTGG[G>T]CACCATGACTGAGTACAAGATCCACCAGCGCTGGTTCGCCAAGTTGAAGCGCAAGGCTGC-3'
Protein context (NP_065829.4, residues 160-180): IVSCSGVLEV[Gly170Val]TMTEYKIHQR

ClinVar aggregate classification (germline): Uncertain significance (1 of 4 stars; one submission).

Submission:

Labcorp Genetics (formerly Invitae), Labcorp
Classification: Uncertain significance. Last evaluated: 2024-09-17. Review status: criteria provided, single submitter. Criteria: Invitae Variant Classification Sherloc (09022015). Collection method: clinical testing. Allele origin: germline.
Comment: This sequence change replaces glycine, which is neutral and non-polar, with valine, which is neutral and non-polar, at codon 372 of the ALPK3 protein (p.Gly372Val). This variant is not present in population databases (gnomAD no frequency). This variant has not been reported in the literature in individuals affected with ALPK3-related conditions. An algorithm developed to predict the effect of missense changes on protein structure and function (PolyPhen-2) suggests that this variant is likely to be disruptive. In summary, the available evidence is currently insufficient to determine the role of this variant in disease. Therefore, it has been classified as a Variant of Uncertain Significance.